The following is an entry in ClinVar:

ClinVar aggregate classification (germline): Uncertain significance (1 of 4 stars; one submission).

Conditions:
Microcephaly, normal intelligence and immunodeficiency (NBS). Also called: IMMUNODEFICIENCY, MICROCEPHALY, AND CHROMOSOMAL INSTABILITY; Immunodeficiency, microcephaly with normal intelligence; SEEMANOVA SYNDROME II; Ataxia telangiectasia variant V1; Microcephaly with normal intelligence immunodeficiency and lymphoreticular malignancies; Nonsyndromal microcephaly autosomal recessive with normal intelligence. Identifiers: Orphanet 647, MedGen C0398791, MONDO:0009623, OMIM 251260.

Allele frequency attached by ClinVar (database versions not stated): gnomAD exomes below 0.00001 and 0.00001.
gnomAD v4.1: 6 of 1,613,992 alleles (0.00037%); highest among the groups gnomAD compares: Non-Finnish European, 0.000085%; no homozygotes.

Submission:

Labcorp Genetics (formerly Invitae), Labcorp
Classification: Uncertain significance for Microcephaly, normal intelligence and immunodeficiency. Last evaluated: 2021-05-16. Review status: criteria provided, single submitter. Criteria: Invitae Variant Classification Sherloc (09022015). Collection method: clinical testing. Allele origin: germline.
Comment: In summary, the available evidence is currently insufficient to determine the role of this variant in disease. Therefore, it has been classified as a Variant of Uncertain Significance. Algorithms developed to predict the effect of missense changes on protein structure and function (SIFT, PolyPhen-2, Align-GVGD) all suggest that this variant is likely to be tolerated, but these predictions have not been confirmed by published functional studies and their clinical significance is uncertain. This variant has not been reported in the literature in individuals with NBN-related conditions. This variant is not present in population databases (ExAC no frequency). This sequence change replaces threonine with isoleucine at codon 49 of the NBN protein (p.Thr49Ile). The threonine residue is weakly conserved and there is a moderate physicochemical difference between threonine and isoleucine.

NM_002485.5(NBN):c.146C>T (p.Thr49Ile)

Gene: NBN (nibrin; minus strand). Cytogenetic location: 8q21.3.
Variant type: single nucleotide variant.
Coding change: c.146C>T on transcript NM_002485.5 (MANE Select); coding-DNA position 146, C replaced by T.
Protein change: p.Thr49Ile; replaces threonine 49 with isoleucine.
Molecular consequence: missense variant. On other transcripts: 5 prime UTR variant (1).
Genome position (GRCh38, 1-based): chr8:89,982,747, G>A on the plus strand (C>T on the coding strand, the complement: NBN is on the minus strand). VCF-style: chr8-89982747-G-A. GRCh37 (hg19) VCF-style: chr8-90994975-G-A.
Other names: c.-151C>T (NM_001024688.3); short protein forms T49I.
Identifiers: ClinVar variation 1353839 (VCV001353839.8), dbSNP rs1450189149, ClinGen allele CA371662985.